The following is an entry in ClinVar:

ClinVar aggregate classification (germline): Uncertain significance (1 of 4 stars; one submission).

Allele frequency attached by ClinVar (database versions not stated): gnomAD 0.00001; TOPMed 0.00001.
gnomAD v4.1: 15 of 1,613,908 alleles (0.00093%); highest among the groups gnomAD compares: Non-Finnish European, 0.0013%; no homozygotes.

Submission:

Labcorp Genetics (formerly Invitae), Labcorp
Classification: Uncertain significance. Last evaluated: 2025-11-11. Review status: criteria provided, single submitter. Criteria: Invitae Variant Classification Sherloc (09022015). Collection method: clinical testing. Allele origin: germline.
Comment: This sequence change replaces arginine, which is basic and polar, with glutamine, which is neutral and polar, at codon 500 of the MYLK3 protein (p.Arg500Gln). This variant is not present in population databases (gnomAD no frequency). This missense change has been observed in individual(s) with clinical features of MYLK3-related conditions (PMID: 32870709). ClinVar contains an entry for this variant (Variation ID: 2149003). An algorithm developed to predict the effect of missense changes on protein structure and function (PolyPhen-2) suggests that this variant is likely to be disruptive. Algorithms developed to predict the effect of sequence changes on RNA splicing suggest that this variant may disrupt the consensus splice site. In summary, the available evidence is currently insufficient to determine the role of this variant in disease. Therefore, it has been classified as a Variant of Uncertain Significance.

Literature cited by the submitters: PubMed 32870709.

NM_182493.3(MYLK3):c.1499G>A (p.Arg500Gln)

Gene: MYLK3 (myosin light chain kinase 3; minus strand). Cytogenetic location: 16q11.2.
Variant type: single nucleotide variant.
Coding change: c.1499G>A on transcript NM_182493.3 (MANE Select); coding-DNA position 1499, G replaced by A.
Protein change: p.Arg500Gln; replaces arginine 500 with glutamine.
Molecular consequence: missense variant.
Genome position (GRCh38, 1-based): chr16:46,730,662, C>T on the plus strand (G>A on the coding strand, the complement: MYLK3 is on the minus strand). VCF-style: chr16-46730662-C-T. GRCh37 (hg19) VCF-style: chr16-46764574-C-T.
Other names: c.476G>A, p.Arg159Gln (NM_001308301.1); short protein forms R159Q, R500Q.
Identifiers: ClinVar variation 2149003 (VCV002149003.4), dbSNP rs200767810, ClinGen allele CA280228246.